The following is an entry in ClinVar:

NM_001852.4(COL9A2):c.975_976delinsTT (p.Gln326Ter)

Gene: COL9A2 (collagen type IX alpha 2 chain; minus strand). Cytogenetic location: 1p34.2.
Variant type: Indel.
Coding change: c.975_976delinsTT on transcript NM_001852.4 (MANE Select); coding-DNA positions 975 to 976, AC replaced by TT.
Protein change: p.Gln326Ter; replaces glutamine 326 with a stop codon.
Molecular consequence: nonsense.
Genome position (GRCh38, 1-based): chr1:40,307,478-40,307,479, GT replaced by AA on the plus strand (AC replaced by TT on the coding strand, the reverse complement: COL9A2 is on the minus strand). VCF-style: chr1-40307478-GT-AA. GRCh37 (hg19) VCF-style: chr1-40773150-GT-AA.
Other names: short protein forms Q326*.
Identifiers: ClinVar variation 3675282 (VCV003675282.2).

ClinVar aggregate classification (germline): Pathogenic (1 of 4 stars; one submission).

Submission:

Labcorp Genetics (formerly Invitae), Labcorp
Classification: Pathogenic. Last evaluated: 2024-05-07. Review status: criteria provided, single submitter. Criteria: Invitae Variant Classification Sherloc (09022015). Collection method: clinical testing. Allele origin: germline.
Comment: This sequence change creates a premature translational stop signal (p.Gln326*) in the COL9A2 gene. It is expected to result in an absent or disrupted protein product. Loss-of-function variants in COL9A2 are known to be pathogenic (PMID: 21671392, 33356723). Information on the frequency of this variant in the gnomAD database is not available, as this variant may be reported differently in the database. This variant has not been reported in the literature in individuals affected with COL9A2-related conditions. For these reasons, this variant has been classified as Pathogenic.

Literature cited by the submitters: PubMed 21671392; PubMed 33356723.